The following is an entry in ClinVar:

ClinVar aggregate classification (germline): Uncertain significance. Review status: criteria provided, multiple submitters, no conflicts (2 of 4 stars). 2 submissions from 2 submitters: Uncertain significance (2). Last evaluated 2025-07-02.

Conditions:
ITGA2B-related disorder. Also called: ITGA2B-related condition; ITGA2B-related disorders.
Glanzmann thrombasthenia. Also called: THROMBASTHENIA OF GLANZMANN AND NAEGELI; PLATELET GLYCOPROTEIN IIb-IIIa DEFICIENCY; Thrombasthenia; Glanzmann's thrombasthenia. Identifiers: Orphanet 849, MedGen C0040015, MONDO:0100326.

gnomAD v4.1: 30 of 1,613,632 alleles (0.0019%); highest among the groups gnomAD compares: Non-Finnish European, 0.0024%; no homozygotes.

Submissions (2):

PreventionGenetics, part of Exact Sciences
Classification: Uncertain significance for ITGA2B-related condition. Last evaluated: 2025-07-02. Review status: criteria provided, single submitter. Criteria: ACMG Guidelines, 2015. Collection method: clinical testing. Allele origin: germline.
Comment: The ITGA2B c.1724T>G variant is predicted to result in the amino acid substitution p.Ile575Ser. To our knowledge, this variant has not been reported in the literature. This variant is reported in 0.00088% of alleles in individuals of European (Non-Finnish) descent in gnomAD. At this time, the clinical significance of this variant is uncertain due to the absence of conclusive functional and genetic evidence.

Labcorp Genetics (formerly Invitae), Labcorp
Classification: Uncertain significance for Glanzmann thrombasthenia. Last evaluated: 2025-03-01. Review status: criteria provided, single submitter. Criteria: Invitae Variant Classification Sherloc (09022015). Collection method: clinical testing. Allele origin: germline.
Comment: This sequence change replaces isoleucine, which is neutral and non-polar, with serine, which is neutral and polar, at codon 575 of the ITGA2B protein (p.Ile575Ser). This variant is not present in population databases (gnomAD no frequency). This variant has not been reported in the literature in individuals affected with ITGA2B-related conditions. Invitae Evidence Modeling of protein sequence and biophysical properties (such as structural, functional, and spatial information, amino acid conservation, physicochemical variation, residue mobility, and thermodynamic stability) has been performed for this missense variant. However, the output from this modeling did not meet the statistical confidence thresholds required to predict the impact of this variant on ITGA2B protein function. In summary, the available evidence is currently insufficient to determine the role of this variant in disease. Therefore, it has been classified as a Variant of Uncertain Significance.

NM_000419.5(ITGA2B):c.1724T>G (p.Ile575Ser)

Gene: ITGA2B (integrin subunit alpha 2b; minus strand). Cytogenetic location: 17q21.31.
Variant type: single nucleotide variant.
Coding change: c.1724T>G on transcript NM_000419.5 (MANE Select); coding-DNA position 1724, T replaced by G.
Protein change: p.Ile575Ser; replaces isoleucine 575 with serine.
Molecular consequence: missense variant.
Genome position (GRCh38, 1-based): chr17:44,380,030, A>C on the plus strand (T>G on the coding strand, the complement: ITGA2B is on the minus strand). VCF-style: chr17-44380030-A-C. GRCh37 (hg19) VCF-style: chr17-42457398-A-C.
Other names: c.1724T>G (NM_000419.4); short protein forms I575S.
Identifiers: ClinVar variation 4739475 (VCV004739475.2).